The following is an entry in ClinVar:

ClinVar aggregate classification (germline): Uncertain significance (1 of 4 stars; one submission).

Conditions:
Ornithine aminotransferase deficiency (GACR). Also called: Ornithine ketoacid aminotransferase deficiency; Gyrate atrophy; Gyrate atrophy of choroid and retina; Girate atrophy of the retina; HYPERORNITHINEMIA WITH GYRATE ATROPHY OF CHOROID AND RETINA; OAT DEFICIENCY. Identifiers: Orphanet 414, MedGen C0018425, MONDO:0009796, OMIM 258870.

Allele frequency attached by ClinVar (database versions not stated): ExAC 0.00002; gnomAD exomes 0.00003; TOPMed 0.00003; 1000 Genomes Project 30x 0.00031.
gnomAD v4.1: 49 of 1,614,156 alleles (0.003%); highest among the groups gnomAD compares: Non-Finnish European, 0.0037%; no homozygotes.

Submission:

Labcorp Genetics (formerly Invitae), Labcorp
Classification: Uncertain significance for Ornithine aminotransferase deficiency. Last evaluated: 2022-08-11. Review status: criteria provided, single submitter. Criteria: Invitae Variant Classification Sherloc (09022015). Collection method: clinical testing. Allele origin: germline.
Comment: This sequence change replaces valine, which is neutral and non-polar, with isoleucine, which is neutral and non-polar, at codon 238 of the OAT protein (p.Val238Ile). This variant is present in population databases (rs200325281, gnomAD 0.004%). This variant has not been reported in the literature in individuals affected with OAT-related conditions. Algorithms developed to predict the effect of missense changes on protein structure and function are either unavailable or do not agree on the potential impact of this missense change (SIFT: "Tolerated"; PolyPhen-2: "Probably Damaging"; Align-GVGD: "Class C0"). In summary, the available evidence is currently insufficient to determine the role of this variant in disease. Therefore, it has been classified as a Variant of Uncertain Significance.

NM_000274.4(OAT):c.712G>A (p.Val238Ile)

Genes: OAT (ornithine aminotransferase; minus strand), LOC121815974 (Sharpr-MPRA regulatory region 15365; plus strand). Cytogenetic location: 10q26.13.
Variant type: single nucleotide variant.
Coding change: c.712G>A on transcript NM_000274.4 (MANE Select); coding-DNA position 712, G replaced by A.
Protein change: p.Val238Ile; replaces valine 238 with isoleucine.
Molecular consequence: missense variant.
Genome position (GRCh38, 1-based): chr10:124,403,857, C>T on the plus strand (G>A on the coding strand, the complement: OAT is on the minus strand). VCF-style: chr10-124403857-C-T. GRCh37 (hg19) VCF-style: chr10-126092426-C-T.
Other names: c.298G>A, p.Val100Ile (NM_001171814.2); c.712G>A, p.Val238Ile (NM_001322965.2, NM_001322966.2, NM_001322967.2 and 3 more transcripts); c.391G>A, p.Val131Ile (NM_001322971.2); c.112G>A, p.Val38Ile (NM_001322974.2); short protein forms V100I, V238I, V38I, V131I.
Identifiers: ClinVar variation 2144503 (VCV002144503.1), dbSNP rs200325281, ClinGen allele CA5733456.